The following is an entry in ClinVar:

NM_017849.4(TMEM127):c.245-4A>C

Gene: TMEM127 (transmembrane protein 127; minus strand). Cytogenetic location: 2q11.2.
Variant type: single nucleotide variant.
Coding change: c.245-4A>C on transcript NM_017849.4 (MANE Select); 4 bases into the intron before coding-DNA position 245, A replaced by C.
Molecular consequence: intron variant.
Genome position (GRCh38, 1-based): chr2:96,255,001, T>G on the plus strand (A>C on the coding strand, the complement: TMEM127 is on the minus strand). VCF-style: chr2-96255001-T-G. GRCh37 (hg19) VCF-style: chr2-96920739-T-G.
Other names: c.245-4A>C (NM_001193304.3).
Identifiers: ClinVar variation 1791529 (VCV001791529.2), dbSNP rs962270831, ClinGen allele CA2580068403.

ClinVar aggregate classification (germline): Uncertain significance (1 of 4 stars; one submission).

Conditions:
Hereditary cancer-predisposing syndrome. Also called: Hereditary Cancer Syndrome; Hereditary neoplastic syndrome; Tumor predisposition; Neoplastic Syndromes, Hereditary. Identifiers: Orphanet 140162, MedGen C0027672, MeSH D009386, MONDO:0015356.

Submission:

Ambry Genetics
Classification: Uncertain significance for Hereditary cancer-predisposing syndrome. Last evaluated: 2021-03-05. Review status: criteria provided, single submitter. Criteria: Ambry Variant Classification Scheme 2023. Collection method: clinical testing. Allele origin: germline.
Comment: The c.245-4A>C intronic variant results from an A to C substitution 4 nucleotides upstream from coding exon 2 in the TMEM127 gene. This nucleotide position is not well conserved in available vertebrate species. In silico splice site analysis predicts that this alteration will not have any significant effect on splicing. Since supporting evidence is limited at this time, the clinical significance of this alteration remains unclear.